The following is an entry in ClinVar:

NM_015559.3(SETBP1):c.4596_4602del (p.Pro1533fs)

Gene: SETBP1 (SET binding protein 1; plus strand). Cytogenetic location: 18q12.3.
Variant type: Deletion.
Coding change: c.4596_4602del on transcript NM_015559.3 (MANE Select); coding-DNA positions 4596 to 4602, 7 bases deleted (ACCGCCG; older notation c.4596_4602delACCGCCG).
Protein change: p.Pro1533fs; shifts the reading frame from proline 1533.
Molecular consequence: frameshift variant.
Genome position (GRCh38, 1-based): chr18:45,063,503-45,063,509, ACCGCCG deleted. VCF-style (leftmost placement, unchanged base first): chr18-45063502-CACCGCCG-C. GRCh37 (hg19) VCF-style: chr18-42643467-CACCGCCG-C.
Other names: c.4596_4602del, p.Pro1533fs (NM_001379141.1, NM_001379142.1); c.4425_4431del, p.Pro1476fs (NM_001410862.1); short protein forms P1476fs, P1533fs.
Identifiers: ClinVar variation 4077416 (VCV004077416.1).

ClinVar aggregate classification (germline): Pathogenic (1 of 4 stars; one submission).

Conditions:
Intellectual developmental disorder, autosomal dominant 29. Also called: Intellectual disability, autosomal dominant 29; SETBP1 Haploinsufficiency Disorder. Identifiers: Orphanet 436151, MedGen C4015141, MONDO:0014482, OMIM 616078.

Submission:

Centre for Human Genetics, University of Kinshasa
Classification: Pathogenic for Intellectual developmental disorder, autosomal dominant 29. Review status: criteria provided, single submitter. Criteria: ACMG Guidelines, 2015. Collection method: research. Allele origin: unknown. Inheritance: Autosomal dominant inheritance. Affected: yes.
Comment: This variants is in SETBP1 and associated with SETBP1-Haploinsufficiency Disorder. The father was not available for testing. This seven base deletion is predicted to cause frameshift and create a premature stop codon in a gene in which LoF is a known mechanism of pathogenicity for the condition (SETBP1-Haploinsufficiency Disorder). The variant is absent from both gnomAD and ClinVar. We classified this variant as Pathogenic following the ACMG classification guidelines based on PM2, PVS1 criteria. The posterior probability score of pathogenicity of 0.994.

Literature cited by the submitters: PubMed 29300386.